The following is an entry in ClinVar:

ClinVar aggregate classification (germline): Benign/Likely benign. Review status: criteria provided, multiple submitters, no conflicts (2 of 4 stars). 4 submissions from 4 submitters: Benign (1); Likely benign (3). Last evaluated 2026-06-01.

Conditions:
WHRN-related disorder. Also called: WHRN-related condition.

Allele frequency attached by ClinVar (database versions not stated): gnomAD 0.00001; gnomAD exomes 0.00006 and 0.00030; TOPMed 0.00006; ExAC 0.00026.
gnomAD v4.1: 85 of 1,613,932 alleles (0.0053%); highest among the groups gnomAD compares: Admixed American, 0.14%; no homozygotes.

Submissions (4):

CeGaT Center for Human Genetics Tuebingen
Classification: Likely benign. Last evaluated: 2026-06-01. Review status: criteria provided, single submitter. Criteria: CeGaT Center For Human Genetics Tuebingen Variant Classification Criteria Version 2. Collection method: clinical testing. Allele origin: germline. Affected: yes. Observed: 1 variant allele.
Comment: WHRN: BP4, BP7

PreventionGenetics, part of Exact Sciences
Classification: Likely benign for WHRN-related condition. Last evaluated: 2025-10-16. Review status: criteria provided, single submitter. Criteria: ACMG Guidelines, 2015. Collection method: clinical testing. Allele origin: germline.
Comment: This variant is classified as likely benign based on ACMG/AMP sequence variant interpretation guidelines (Richards et al. 2015 PMID: 25741868, with internal and published modifications).

Labcorp Genetics (formerly Invitae), Labcorp
Classification: Benign. Last evaluated: 2025-10-03. Review status: criteria provided, single submitter. Criteria: Invitae Variant Classification Sherloc (09022015). Collection method: clinical testing. Allele origin: germline.

Blueprint Genetics
Classification: Likely benign. Last evaluated: 2021-07-20. Review status: criteria provided, single submitter. Criteria: ACMG Guidelines, 2015. Collection method: clinical testing. Allele origin: germline.

NM_015404.4(WHRN):c.1278G>A (p.Leu426=)

Gene: WHRN (whirlin; minus strand). Cytogenetic location: 9q32.
Variant type: single nucleotide variant.
Coding change: c.1278G>A on transcript NM_015404.4 (MANE Select); coding-DNA position 1278, G replaced by A.
Protein change: p.Leu426=; no amino-acid change (leucine 426 retained).
Molecular consequence: synonymous variant.
Genome position (GRCh38, 1-based): chr9:114,424,472, C>T on the plus strand (G>A on the coding strand, the complement: WHRN is on the minus strand). VCF-style: chr9-114424472-C-T. GRCh37 (hg19) VCF-style: chr9-117186752-C-T.
Other names: c.129G>A, p.Leu43= (NM_001083885.3); c.1278G>A, p.Leu426= (NM_001173425.2); c.225G>A, p.Leu75= (NM_001346890.1).
Identifiers: ClinVar variation 733224 (VCV000733224.14), dbSNP rs774461811, ClinGen allele CA5205998.